The following is an entry in ClinVar:

NM_006545.5(NPRL2):c.586-3C>A

Gene: NPRL2 (NPR2 like, GATOR1 complex subunit; minus strand). Cytogenetic location: 3p21.31.
Variant type: single nucleotide variant.
Coding change: c.586-3C>A on transcript NM_006545.5 (MANE Select); 3 bases into the intron before coding-DNA position 586, C replaced by A.
Molecular consequence: intron variant.
Genome position (GRCh38, 1-based): chr3:50,348,785, G>T on the plus strand (C>A on the coding strand, the complement: NPRL2 is on the minus strand). VCF-style: chr3-50348785-G-T. GRCh37 (hg19) VCF-style: chr3-50386216-G-T.
Identifiers: ClinVar variation 1325804 (VCV001325804.1), dbSNP rs775206926, ClinGen allele CA2417552.

ClinVar aggregate classification (germline): Uncertain significance (1 of 4 stars; one submission).

Conditions:
Epilepsy, familial focal, with variable foci 2 (FFEVF2). Identifiers: MedGen C4310709, MONDO:0014924, OMIM 617116.

Submission:

Institute of Human Genetics, University of Leipzig Medical Center
Classification: Uncertain significance for Epilepsy, familial focal, with variable foci 2. Last evaluated: 2021-10-27. Review status: criteria provided, single submitter. Criteria: ACMG Guidelines, 2015. Collection method: clinical testing. Allele origin: unknown. Affected: yes.
Comment: Despite strong evidence for its pathogenicity, this variant has to be classified as of unknown significance, according to the ACMG-criteria (Richards et al., 2015)_x000D_ Criteria applied: PM4, PM2_SUP